The following is an entry in ClinVar:

NM_000312.4(PROC):c.318C>A (p.Cys106Ter)

Gene: PROC (protein C, inactivator of coagulation factors Va and VIIIa; plus strand). Cytogenetic location: 2q14.3.
Variant type: single nucleotide variant.
Coding change: c.318C>A on transcript NM_000312.4 (MANE Select); coding-DNA position 318, C replaced by A.
Protein change: p.Cys106Ter; replaces cysteine 106 with a stop codon.
Molecular consequence: nonsense. On other transcripts: missense variant (1).
Genome position (GRCh38, 1-based): chr2:127,423,089, C>A. VCF-style: chr2-127423089-C-A. GRCh37 (hg19) VCF-style: chr2-128180665-C-A.
Other names: c.501C>A, p.Cys167Ter (NM_001375602.1); c.381C>A, p.Cys127Ter (NM_001375603.1, NM_001375604.1); c.318C>A, p.Cys106Ter (NM_001375605.1, NM_001375608.1, NM_001375611.1 and 1 more transcripts); c.473C>A, p.Ala158Glu (NM_001375606.1); c.402C>A, p.Cys134Ter (NM_001375607.1); c.294C>A, p.Cys98Ter (NM_001375609.1); c.312C>A, p.Cys104Ter (NM_001375610.1); short protein forms C104*, C127*, C134*, C98*, C106*, C167*, A158E.
Identifiers: ClinVar variation 4735017 (VCV004735017.1).

ClinVar aggregate classification (germline): Pathogenic (1 of 4 stars; one submission).

Conditions:
Thrombophilia due to protein C deficiency, autosomal dominant. Also called: PROC DEFICIENCY, AUTOSOMAL DOMINANT; PROTEIN C DEFICIENCY, AUTOSOMAL DOMINANT. Identifiers: Orphanet 745, MedGen C2674321, MONDO:0008316, OMIM 176860. Disease mechanism: loss of function.

Submission:

Labcorp Genetics (formerly Invitae), Labcorp
Classification: Pathogenic for Thrombophilia due to protein C deficiency, autosomal dominant. Last evaluated: 2026-01-09. Review status: criteria provided, single submitter. Criteria: Invitae Variant Classification Sherloc (09022015). Collection method: clinical testing. Allele origin: germline.
Comment: This sequence change creates a premature translational stop signal (p.Cys106*) in the PROC gene. It is expected to result in an absent or disrupted protein product. Loss-of-function variants in PROC are known to be pathogenic (PMID: 17152060). This variant is not present in population databases (gnomAD no frequency). This variant has not been reported in the literature in individuals affected with PROC-related conditions. For these reasons, this variant has been classified as Pathogenic.

Literature cited by the submitters: PubMed 17152060.